The following is an entry in ClinVar:

ClinVar aggregate classification (germline): Conflicting classifications of pathogenicity. Review status: criteria provided, conflicting classifications (1 of 4 stars). 11 submissions from 10 submitters: Uncertain significance (9); Likely benign (1). 1 of the submissions does not count toward it. Last evaluated 2024-10-31.

Conditions:
Mitochondrial complex I deficiency, nuclear type 1. Also called: NADH-COENZYME Q REDUCTASE DEFICIENCY; MITOCHONDRIAL NADH DEHYDROGENASE COMPONENT OF COMPLEX I, DEFICIENCY OF. Identifiers: MedGen C6022305, MONDO:0100224, OMIM 252010.
Mitochondrial complex I deficiency, nuclear type 4. Also called: Mitochondrial complex 1 deficiency, nuclear type 4. Identifiers: MedGen C4748753, MONDO:0032609, OMIM 618225.
NDUFV1-related disorder. Also called: NDUFV1-related condition; NDUFV1-related disorders.
Inborn genetic diseases. Identifiers: MedGen C0950123, MeSH D030342.
Leigh syndrome (NULS). Also called: Leigh's syndrome; Leigh Disease; Subacute necrotizing encephalopathy; Necrotizing encephalopathy infantile subacute of Leigh; LEIGH SYNDROME, NUCLEAR; Leigh's necrotizing encephalopathy. Identifiers: Orphanet 506, MedGen C2931891, MONDO:0009723, OMIM 256000.

Allele frequency attached by ClinVar (database versions not stated): gnomAD exomes 0.00004 and 0.00010; ExAC 0.00005; gnomAD 0.00009 and 0.00010; TOPMed 0.00011; ESP Exome Variant Server 0.00015.
gnomAD v4.1: 166 of 1,614,124 alleles (0.01%); highest among the groups gnomAD compares: Middle Eastern, 0.26%; no homozygotes.

Submissions (11):

Blueprint Genetics
Classification: Uncertain significance. Last evaluated: 2024-10-31. Review status: criteria provided, single submitter. Criteria: ACMG Guidelines, 2015. Collection method: clinical testing. Allele origin: germline.

3billion
Classification: Likely benign for Mitochondrial complex I deficiency, nuclear type 4. Last evaluated: 2024-09-20. Review status: criteria provided, single submitter. Criteria: ACMG Guidelines, 2015. Collection method: clinical testing. Allele origin: germline. Affected: no.
Comment: The homozygous variant was found in patients diagnosed with another variant in a different gene, with no symptoms related to the gene containing the homozygous variant.

Ambry Genetics
Classification: Uncertain significance for Inborn genetic diseases. Last evaluated: 2024-06-05. Review status: criteria provided, single submitter. Criteria: Ambry Variant Classification Scheme 2023. Collection method: clinical testing. Allele origin: germline.

GeneDx
Classification: Uncertain significance. Last evaluated: 2023-12-20. Review status: criteria provided, single submitter. Criteria: GeneDx Variant Classification Process June 2021. Collection method: clinical testing. Allele origin: germline. Affected: yes.
Comment: Not observed at significant frequency in large population cohorts (gnomAD); In silico analysis supports that this missense variant has a deleterious effect on protein structure/function; Has not been previously published as pathogenic or benign to our knowledge

Labcorp Genetics (formerly Invitae), Labcorp
Classification: Uncertain significance. Last evaluated: 2022-10-05. Review status: criteria provided, single submitter. Criteria: Invitae Variant Classification Sherloc (09022015). Collection method: clinical testing. Allele origin: germline.
Comment: This sequence change replaces arginine, which is basic and polar, with lysine, which is basic and polar, at codon 267 of the NDUFV1 protein (p.Arg267Lys). This variant is present in population databases (rs141400889, gnomAD 0.01%). This variant has not been reported in the literature in individuals affected with NDUFV1-related conditions. ClinVar contains an entry for this variant (Variation ID: 214857). Advanced modeling of protein sequence and biophysical properties (such as structural, functional, and spatial information, amino acid conservation, physicochemical variation, residue mobility, and thermodynamic stability) performed at Invitae indicates that this missense variant is not expected to disrupt NDUFV1 protein function. In summary, the available evidence is currently insufficient to determine the role of this variant in disease. Therefore, it has been classified as a Variant of Uncertain Significance.

Institute for Clinical Genetics, University Hospital TU Dresden, University Hospital TU Dresden
Classification: Uncertain significance. Last evaluated: 2021-11-03. Review status: criteria provided, single submitter. Criteria: ACMG Guidelines, 2015. Collection method: clinical testing. Allele origin: germline.

Baylor Genetics
Classification: Uncertain significance for Mitochondrial complex I deficiency, nuclear type 1. Last evaluated: 2018-04-11. Review status: criteria provided, single submitter. Criteria: ACMG Guidelines, 2015. Collection method: clinical testing. Allele origin: unknown. Affected: yes.
Comment: This variant was determined to be of uncertain significance according to ACMG Guidelines, 2015 [PMID:25741868].

Illumina Laboratory Services, Illumina
Classification: Uncertain significance for Mitochondrial complex I deficiency, nuclear type 1. Last evaluated: 2018-01-13. Review status: criteria provided, single submitter. Criteria: ICSL Variant Classification Criteria 13 December 2019. Collection method: clinical testing. Allele origin: germline.

Illumina Laboratory Services, Illumina
Classification: Uncertain significance for Leigh syndrome. Last evaluated: 2018-01-13. Review status: criteria provided, single submitter. Criteria: ICSL Variant Classification Criteria 13 December 2019. Collection method: clinical testing. Allele origin: germline.

Breakthrough Genomics
Classification: Uncertain significance. Review status: criteria provided, single submitter. Criteria: ACMG Guidelines, 2015. Collection method: not provided. Allele origin: germline. Inheritance: Autosomal recessive inheritance. Affected: yes.

PreventionGenetics, part of Exact Sciences
Classification: Uncertain significance for NDUFV1-related condition. Last evaluated: 2024-03-17. Review status: no assertion criteria provided. Collection method: clinical testing. Allele origin: germline. Not counted in ClinVar's aggregate classification.
Comment: The NDUFV1 c.800G>A variant is predicted to result in the amino acid substitution p.Arg267Lys. To our knowledge, this variant has not been reported in the literature. This variant is reported in 0.012% of alleles in individuals of African descent in gnomAD. At this time, the clinical significance of this variant is uncertain due to the absence of conclusive functional and genetic evidence.

NM_007103.4(NDUFV1):c.800G>A (p.Arg267Lys)

Gene: NDUFV1 (NADH:ubiquinone oxidoreductase core subunit V1; plus strand). Cytogenetic location: 11q13.2.
Variant type: single nucleotide variant.
Coding change: c.800G>A on transcript NM_007103.4 (MANE Select); coding-DNA position 800, G replaced by A.
Protein change: p.Arg267Lys; replaces arginine 267 with lysine.
Molecular consequence: missense variant.
Genome position (GRCh38, 1-based): chr11:67,611,094, G>A. VCF-style: chr11-67611094-G-A. GRCh37 (hg19) VCF-style: chr11-67378565-G-A.
Other names: p.R267K:AGA>AAA; c.773G>A, p.Arg258Lys (NM_001166102.2); short protein forms R267K, R258K.
Identifiers: ClinVar variation 214857 (VCV000214857.20), dbSNP rs141400889, ClinGen allele CA320044.